The following is an entry in ClinVar:

ClinVar aggregate classification (germline): Uncertain significance (1 of 4 stars; one submission).

Submission:

Labcorp Genetics (formerly Invitae), Labcorp
Classification: Uncertain significance. Last evaluated: 2023-12-11. Review status: criteria provided, single submitter. Criteria: Invitae Variant Classification Sherloc (09022015). Collection method: clinical testing. Allele origin: germline.
Comment: This sequence change replaces valine, which is neutral and non-polar, with leucine, which is neutral and non-polar, at codon 876 of the COL7A1 protein (p.Val876Leu). Information on the frequency of this variant in the gnomAD database is not available, as this variant may be reported differently in the database. This variant has not been reported in the literature in individuals affected with COL7A1-related conditions. ClinVar contains an entry for this variant (Variation ID: 1025805). Experimental studies and prediction algorithms are not available or were not evaluated, and the functional significance of this variant is currently unknown. In summary, the available evidence is currently insufficient to determine the role of this variant in disease. Therefore, it has been classified as a Variant of Uncertain Significance.

NM_000094.4(COL7A1):c.2625_2626delinsCT (p.Val876Leu)

Gene: COL7A1 (collagen type VII alpha 1 chain; minus strand). Cytogenetic location: 3p21.31.
Variant type: Indel.
Coding change: c.2625_2626delinsCT on transcript NM_000094.4 (MANE Select); coding-DNA positions 2625 to 2626, GG replaced by CT.
Protein change: p.Val876Leu; replaces valine 876 with leucine.
Molecular consequence: missense variant.
Genome position (GRCh38, 1-based): chr3:48,588,366-48,588,367, CC replaced by AG on the plus strand (GG replaced by CT on the coding strand, the reverse complement: COL7A1 is on the minus strand). VCF-style: chr3-48588366-CC-AG. GRCh37 (hg19) VCF-style: chr3-48625799-CC-AG.
Other names: short protein forms V876L.
Identifiers: ClinVar variation 1025805 (VCV001025805.3), dbSNP rs2045441032, ClinGen allele CA1363089625.
Genomic context (GRCh38, chr3:48,588,366, plus strand): 5'-AGCCCTGCGCTCTGGGCACCGGCTCCCAGCGCAGCCTCAGCGAGTGCTCCCCGCGCTGCA[CC>AG]ACGTGAAGCGTCCCCAGGGCTGGCGGAGCCTCAGGCGCTGGAGAGAAAGCTCAGGAATCA-3'
Protein context (NP_000085.1, residues 866-886): APPALGTLHV[Val876Leu]QRGEHSLRLR